The following is an entry in ClinVar:

ClinVar aggregate classification (germline): Likely benign. Review status: reviewed by expert panel (3 of 4 stars). 4 submissions from 4 submitters: Likely benign (1). 3 of the submissions do not count toward it. Last evaluated 2017-06-29.

Conditions:
Hereditary cancer-predisposing syndrome. Also called: Tumor predisposition; Hereditary Cancer Syndrome; Hereditary neoplastic syndrome; Neoplastic Syndromes, Hereditary. Identifiers: Orphanet 140162, MedGen C0027672, MeSH D009386, MONDO:0015356.
Hereditary breast ovarian cancer syndrome. Also called: Breast and ovarian cancer; Hereditary breast and ovarian cancer syndrome; Hereditary breast and ovarian cancer; BRCA1- and BRCA2-Associated Hereditary Breast and Ovarian Cancer; Hereditary breast and ovarian cancer syndrome (HBOC); Hereditary breast and/or ovarian cancer syndrome. Identifiers: Orphanet 145, MedGen C0677776, MeSH D061325, MONDO:0003582. Disease mechanism: loss of function.
Breast-ovarian cancer, familial, susceptibility to, 2 (BROVCA2). Also called: BRCA2 Hereditary Breast and Ovarian Cancer. Identifiers: Orphanet 145, MedGen C2675520, MONDO:0012933, OMIM 612555. Disease mechanism: loss of function.

Submissions (4):

Evidence-based Network for the Interpretation of Germline Mutant Alleles (ENIGMA)
Classification: Likely benign for Breast-ovarian cancer, familial, susceptibility to, 2. Last evaluated: 2017-06-29. Review status: reviewed by expert panel. Criteria: ENIGMA BRCA1/2 Classification Criteria (2017-06-29). Collection method: curation. Allele origin: germline.
Comment: Synonymous substitution variant, with low bioinformatic likelihood to result in a splicing aberration (Splicing prior probability 0.02).

Labcorp Genetics (formerly Invitae), Labcorp
Classification: Likely benign for Hereditary breast ovarian cancer syndrome. Last evaluated: 2020-07-13. Review status: criteria provided, single submitter. Criteria: Invitae Variant Classification Sherloc (09022015). Collection method: clinical testing. Allele origin: germline. Not counted in ClinVar's aggregate classification.

Women's Health and Genetics/Laboratory Corporation of America, LabCorp
Classification: Likely benign. Last evaluated: 2019-08-21. Review status: criteria provided, single submitter. Criteria: LabCorp Variant Classification Summary - May 2015. Collection method: clinical testing. Allele origin: germline. Not counted in ClinVar's aggregate classification.

Ambry Genetics
Classification: Likely benign for Hereditary cancer-predisposing syndrome. Last evaluated: 2015-10-10. Review status: criteria provided, single submitter. Criteria: Ambry Variant Classification Scheme 2023. Collection method: clinical testing. Allele origin: germline. Not counted in ClinVar's aggregate classification.

NM_000059.4(BRCA2):c.6216C>T (p.Ser2072=)

Gene: BRCA2 (BRCA2 DNA repair associated; plus strand). Cytogenetic location: 13q13.1.
Variant type: single nucleotide variant.
Coding change: c.6216C>T on transcript NM_000059.4 (MANE Select); coding-DNA position 6216, C replaced by T.
Protein change: p.Ser2072=; no amino-acid change (serine 2072 retained).
Molecular consequence: synonymous variant.
Genome position (GRCh38, 1-based): chr13:32,340,571, C>T. VCF-style: chr13-32340571-C-T. GRCh37 (hg19) VCF-style: chr13-32914708-C-T.
Identifiers: ClinVar variation 184468 (VCV000184468.13), dbSNP rs786201410, ClinGen allele CA023762.
Genomic context (GRCh38, chr13:32,340,571, plus strand): 5'-ATCTGCTTTCTCTGGATTTAGTACAGCAAGTGGAAAGCAAGTTTCCATTTTAGAAAGTTC[C>T]TTACACAAAGTTAAGGGAGTGTTAGAGGAATTTGATTTAATCAGAACTGAGCATAGTCTT-3'
Protein context (NP_000050.3, residues 2062-2082): SGKQVSILES[Ser2072=]LHKVKGVLEE